The following is an entry in ClinVar:

NM_182914.3(SYNE2):c.32A>C (p.Asp11Ala)

Gene: SYNE2 (spectrin repeat containing nuclear envelope protein 2; plus strand). Cytogenetic location: 14q23.2.
Variant type: single nucleotide variant.
Coding change: c.32A>C on transcript NM_182914.3 (MANE Select); coding-DNA position 32, A replaced by C.
Protein change: p.Asp11Ala; replaces aspartic acid 11 with alanine.
Molecular consequence: missense variant.
Genome position (GRCh38, 1-based): chr14:63,909,180, A>C. VCF-style: chr14-63909180-A-C. GRCh37 (hg19) VCF-style: chr14-64375898-A-C.
Other names: c.32A>C, p.Asp11Ala (NM_015180.6); short protein forms D11A.
Identifiers: ClinVar variation 1690385 (VCV001690385.2), dbSNP rs901997575, ClinGen allele CA389934728.

ClinVar aggregate classification (germline): Uncertain significance (1 of 4 stars; one submission).

Submission:

Laboratorio de Genetica e Diagnostico Molecular, Hospital Israelita Albert Einstein
Classification: Uncertain significance. Last evaluated: 2021-05-19. Review status: criteria provided, single submitter. Criteria: ACMG Guidelines, 2015. Collection method: clinical testing. Allele origin: germline. Affected: yes.
Comment: ACMG classification criteria: PM2, BP4